The following is an entry in ClinVar:

NM_000834.5(GRIN2B):c.511A>G (p.Ile171Val)

Gene: GRIN2B (glutamate ionotropic receptor NMDA type subunit 2B; minus strand). Cytogenetic location: 12p13.1.
Variant type: single nucleotide variant.
Coding change: c.511A>G on transcript NM_000834.5 (MANE Select); coding-DNA position 511, A replaced by G.
Protein change: p.Ile171Val; replaces isoleucine 171 with valine.
Molecular consequence: missense variant.
Genome position (GRCh38, 1-based): chr12:13,753,816, T>C on the plus strand (A>G on the coding strand, the complement: GRIN2B is on the minus strand). VCF-style: chr12-13753816-T-C. GRCh37 (hg19) VCF-style: chr12-13906750-T-C.
Other names: c.511A>G, p.Ile171Val (NM_001413992.1, NM_001413993.1, NM_001413994.1 and 1 more transcripts); c.511A>G (NM_000834.3); short protein forms I171V.
Identifiers: ClinVar variation 2073541 (VCV002073541.5), dbSNP rs1863532141, ClinGen allele CA384054559.
Genomic context (GRCh38, chr12:13,753,816, plus strand): 5'-CAATGGTGCTGCGGATCTTGTTTACAAAGTCCTGGTAGCCAGGGAAATAGGTGGTGACGA[T>C]AGAAAAGATGTACCAGTCATATTCTTCCATGATGTTGAGCATTACGGAAGCTTGCTGTTC-3'
Protein context (NP_000825.2, residues 161-181): MEEYDWYIFS[Ile171Val]VTTYFPGYQD

ClinVar aggregate classification (germline): Conflicting classifications of pathogenicity. Review status: criteria provided, conflicting classifications (1 of 4 stars). 2 submissions from 2 submitters: Uncertain significance (1); Benign (1). Last evaluated 2025-06-11.

Conditions:
Developmental and epileptic encephalopathy, 27 (DEE27). Also called: GRIN2B-Related Neurodevelopmental Disorder; Epileptic encephalopathy, early infantile, 27. Identifiers: Orphanet 3451, MedGen C4015316, MONDO:0014505, OMIM 616139.
Intellectual developmental disorder, autosomal dominant 6, with or without seizures. Also called: Intellectual disability, autosomal dominant 6; GRIN2B-related developmental delay, intellectual disability and autism spectrum disorder. Identifiers: Orphanet 589547, MedGen C3151411, MONDO:0013509, OMIM 613970.

Allele frequency attached by ClinVar (database versions not stated): gnomAD exomes below 0.00001; TOPMed below 0.00001; gnomAD 0.00001.
gnomAD v4.1: 6 of 1,613,440 alleles (0.00037%); highest among the groups gnomAD compares: Admixed American, 0.0017%; no homozygotes.

Submissions (2):

GeneDx
Classification: Uncertain significance. Last evaluated: 2025-06-11. Review status: criteria provided, single submitter. Criteria: GeneDx Variant Classification Process June 2021. Collection method: clinical testing. Allele origin: germline. Affected: yes.
Comment: Not observed at significant frequency in large population cohorts (gnomAD); In silico analysis supports that this missense variant has a deleterious effect on protein structure/function; Has not been previously published as pathogenic or benign to our knowledge

Labcorp Genetics (formerly Invitae), Labcorp
Classification: Benign for Developmental and epileptic encephalopathy, 27; Intellectual developmental disorder, autosomal dominant 6, with or without seizures. Last evaluated: 2022-08-10. Review status: criteria provided, single submitter. Criteria: Invitae Variant Classification Sherloc (09022015). Collection method: clinical testing. Allele origin: germline.